The following is an entry in ClinVar:

ClinVar aggregate classification (germline): Uncertain significance. Review status: criteria provided, multiple submitters, no conflicts (2 of 4 stars). 3 submissions from 3 submitters: Uncertain significance (3). Last evaluated 2025-05-13.

Conditions:
Cardiomyopathy (CMYO). Also called: Cardiomyopathies. Identifiers: Orphanet 167848, MedGen C0878544, MONDO:0004994, HP:0001638. Inheritance: Various modes of inheritance.
Lethal congenital glycogen storage disease of heart. Also called: PHOSPHORYLASE KINASE DEFICIENCY OF HEART; GLYCOGEN STORAGE DISEASE OF HEART. Identifiers: Orphanet 439854, MedGen C1849813, MONDO:0009867, OMIM 261740.

Submissions (3):

Labcorp Genetics (formerly Invitae), Labcorp
Classification: Uncertain significance for Lethal congenital glycogen storage disease of heart. Last evaluated: 2025-05-13. Review status: criteria provided, single submitter. Criteria: Invitae Variant Classification Sherloc (09022015). Collection method: clinical testing. Allele origin: germline.
Comment: This sequence change replaces glutamic acid, which is acidic and polar, with lysine, which is basic and polar, at codon 342 of the PRKAG2 protein (p.Glu342Lys). This variant is not present in population databases (gnomAD no frequency). This variant has not been reported in the literature in individuals affected with PRKAG2-related conditions. ClinVar contains an entry for this variant (Variation ID: 1065164). Invitae Evidence Modeling of protein sequence and biophysical properties (such as structural, functional, and spatial information, amino acid conservation, physicochemical variation, residue mobility, and thermodynamic stability) indicates that this missense variant is expected to disrupt PRKAG2 protein function with a positive predictive value of 95%. In summary, the available evidence is currently insufficient to determine the role of this variant in disease. Therefore, it has been classified as a Variant of Uncertain Significance.

CHEO Genetics Diagnostic Laboratory, Children's Hospital of Eastern Ontario
Classification: Uncertain significance for Cardiomyopathy. Last evaluated: 2021-05-17. Review status: criteria provided, single submitter. Criteria: ACMG Guidelines, 2015. Collection method: clinical testing. Allele origin: germline.

Women's Health and Genetics/Laboratory Corporation of America, LabCorp
Classification: Uncertain significance. Last evaluated: 2021-04-15. Review status: criteria provided, single submitter. Criteria: LabCorp Variant Classification Summary - May 2015. Collection method: clinical testing. Allele origin: germline.
Comment: Variant summary: PRKAG2 c.1024G>A (p.Glu342Lys) results in a conservative amino acid change in the encoded protein sequence. Four of five in-silico tools predict a damaging effect of the variant on protein function. The variant was absent in 249514 control chromosomes (gnomAD). The available data on variant occurrences in the general population are insufficient to allow any conclusion about variant significance. To our knowledge, no occurrence of c.1024G>A in individuals affected with Hypertrophic Cardiomyopathy With Wolff-Parkinson-White and no experimental evidence demonstrating its impact on protein function have been reported. No clinical diagnostic laboratories have submitted clinical-significance assessments for this variant to ClinVar after 2014. Based on the evidence outlined above, the variant was classified as uncertain significance.

NM_016203.4(PRKAG2):c.1024G>A (p.Glu342Lys)

Gene: PRKAG2 (protein kinase AMP-activated non-catalytic subunit gamma 2; minus strand). Cytogenetic location: 7q36.1.
Variant type: single nucleotide variant.
Coding change: c.1024G>A on transcript NM_016203.4 (MANE Select); coding-DNA position 1024, G replaced by A.
Protein change: p.Glu342Lys; replaces glutamic acid 342 with lysine.
Molecular consequence: missense variant.
Genome position (GRCh38, 1-based): chr7:151,572,691, C>T on the plus strand (G>A on the coding strand, the complement: PRKAG2 is on the minus strand). VCF-style: chr7-151572691-C-T. GRCh37 (hg19) VCF-style: chr7-151269777-C-T.
Other names: c.892G>A, p.Glu298Lys (NM_001040633.2); c.649G>A, p.Glu217Lys (NM_001304527.2); c.301G>A, p.Glu101Lys (NM_001304531.2, NM_024429.2); c.652G>A, p.Glu218Lys (NM_001363698.2); short protein forms E101K, E217K, E218K, E298K, E342K.
Identifiers: ClinVar variation 1065164 (VCV001065164.8), dbSNP rs2151024095, ClinGen allele CA370072160.